The following is an entry in ClinVar:

NM_001955.5(EDN1):c.608G>A (p.Arg203His)

Gene: EDN1 (endothelin 1; plus strand). Cytogenetic location: 6p24.1.
Variant type: single nucleotide variant.
Coding change: c.608G>A on transcript NM_001955.5 (MANE Select); coding-DNA position 608, G replaced by A.
Protein change: p.Arg203His; replaces arginine 203 with histidine.
Molecular consequence: missense variant.
Genome position (GRCh38, 1-based): chr6:12,296,036, G>A. VCF-style: chr6-12296036-G-A. GRCh37 (hg19) VCF-style: chr6-12296269-G-A.
Other names: c.605G>A, p.Arg202His (NM_001168319.2); c.608G>A (NM_001955.4); short protein forms R203H, R202H.
Identifiers: ClinVar variation 2191668 (VCV002191668.5), dbSNP rs143255118, ClinGen allele CA134218085.
Genomic context (GRCh38, chr6:12,296,036, plus strand): 5'-GAAACAGCGTCAAATCATCTTTTCATGATCCCAAGCTGAAAGGCAAGCCCTCCAGAGAGC[G>A]TTATGTGACCCACAACCGAGCACATTGGTGACAGACCTTCGGGGCCTGTCTGAAGCCATA-3'
Protein context (NP_001946.3, residues 193-212): PKLKGKPSRE[Arg203His]YVTHNRAHW

ClinVar aggregate classification (germline): Conflicting classifications of pathogenicity. Review status: criteria provided, conflicting classifications (1 of 4 stars). 2 submissions from 2 submitters: Uncertain significance (1); Likely benign (1). Last evaluated 2024-06-24.

Conditions:
Inborn genetic diseases. Identifiers: MedGen C0950123, MeSH D030342.

Allele frequency attached by ClinVar (database versions not stated): gnomAD 0.00005; TOPMed 0.00006; ESP Exome Variant Server 0.00015.
gnomAD v4.1: 47 of 1,613,940 alleles (0.0029%); highest among the groups gnomAD compares: Middle Eastern, 0.016%; no homozygotes.

Submissions (2):

Labcorp Genetics (formerly Invitae), Labcorp
Classification: Uncertain significance. Last evaluated: 2024-06-24. Review status: criteria provided, single submitter. Criteria: Invitae Variant Classification Sherloc (09022015). Collection method: clinical testing. Allele origin: germline.
Comment: This sequence change replaces arginine, which is basic and polar, with histidine, which is basic and polar, at codon 203 of the EDN1 protein (p.Arg203His). This variant is present in population databases (rs143255118, gnomAD 0.01%). This variant has not been reported in the literature in individuals affected with EDN1-related conditions. ClinVar contains an entry for this variant (Variation ID: 2191668). Algorithms developed to predict the effect of missense changes on protein structure and function output the following: SIFT: "Not Available"; PolyPhen-2: "Benign"; Align-GVGD: "Not Available". The histidine amino acid residue is found in multiple mammalian species, which suggests that this missense change does not adversely affect protein function. In summary, the available evidence is currently insufficient to determine the role of this variant in disease. Therefore, it has been classified as a Variant of Uncertain Significance.

Ambry Genetics
Classification: Likely benign for Inborn genetic diseases. Last evaluated: 2024-05-01. Review status: criteria provided, single submitter. Criteria: Ambry Variant Classification Scheme 2023. Collection method: clinical testing. Allele origin: germline.